The following is an entry in ClinVar:

ClinVar aggregate classification (germline): Uncertain significance (1 of 4 stars; one submission).

Conditions:
Congenital contractural arachnodactyly (CCA). Also called: BEALS SYNDROME; Beals-Hecht syndrome; Arthrogryposis, distal, type 9. Identifiers: Orphanet 115, MedGen C0220668, MONDO:0007363, OMIM 121050.

Submission:

Labcorp Genetics (formerly Invitae), Labcorp
Classification: Uncertain significance for Congenital contractural arachnodactyly. Last evaluated: 2025-04-27. Review status: criteria provided, single submitter. Criteria: Invitae Variant Classification Sherloc (09022015). Collection method: clinical testing. Allele origin: germline.
Comment: This sequence change replaces isoleucine, which is neutral and non-polar, with valine, which is neutral and non-polar, at codon 1801 of the FBN2 protein (p.Ile1801Val). This variant is not present in population databases (gnomAD no frequency). This variant has not been reported in the literature in individuals affected with FBN2-related conditions. ClinVar contains an entry for this variant (Variation ID: 2107533). Invitae Evidence Modeling of protein sequence and biophysical properties (such as structural, functional, and spatial information, amino acid conservation, physicochemical variation, residue mobility, and thermodynamic stability) has been performed for this missense variant. However, the output from this modeling did not meet the statistical confidence thresholds required to predict the impact of this variant on FBN2 protein function. In summary, the available evidence is currently insufficient to determine the role of this variant in disease. Therefore, it has been classified as a Variant of Uncertain Significance.

NM_001999.4(FBN2):c.5401A>G (p.Ile1801Val)

Gene: FBN2 (fibrillin 2; minus strand). Cytogenetic location: 5q23.3.
Variant type: single nucleotide variant.
Coding change: c.5401A>G on transcript NM_001999.4 (MANE Select); coding-DNA position 5401, A replaced by G.
Protein change: p.Ile1801Val; replaces isoleucine 1801 with valine.
Molecular consequence: missense variant.
Genome position (GRCh38, 1-based): chr5:128,307,156, T>C on the plus strand (A>G on the coding strand, the complement: FBN2 is on the minus strand). VCF-style: chr5-128307156-T-C. GRCh37 (hg19) VCF-style: chr5-127642848-T-C.
Other names: short protein forms I1801V.
Identifiers: ClinVar variation 2107533 (VCV002107533.4), dbSNP rs2479729081, ClinGen allele CA360742785.